The following is an entry in ClinVar:

NM_001447.3(FAT2):c.3555T>C (p.Phe1185=)

Gene: FAT2 (FAT atypical cadherin 2; minus strand). Cytogenetic location: 5q33.1.
Variant type: single nucleotide variant.
Coding change: c.3555T>C on transcript NM_001447.3 (MANE Select); coding-DNA position 3555, T replaced by C.
Protein change: p.Phe1185=; no amino-acid change (phenylalanine 1185 retained).
Molecular consequence: synonymous variant.
Genome position (GRCh38, 1-based): chr5:151,563,344, A>G on the plus strand (T>C on the coding strand, the complement: FAT2 is on the minus strand). VCF-style: chr5-151563344-A-G. GRCh37 (hg19) VCF-style: chr5-150942905-A-G.
Identifiers: ClinVar variation 713150 (VCV000713150.25), dbSNP rs116378153, ClinGen allele CA3521814.

ClinVar aggregate classification (germline): Likely benign. Review status: criteria provided, multiple submitters, no conflicts (2 of 4 stars). 5 submissions from 5 submitters: Likely benign (4). 1 of the submissions does not count toward it. Last evaluated 2026-06-16.

Conditions:
FAT2-related disorder. Also called: FAT2-related condition.

Allele frequency attached by ClinVar (database versions not stated): TOPMed 0.00050; ExAC 0.00053; gnomAD exomes 0.00054 and 0.00081; 1000 Genomes Project 0.00060; 1000 Genomes Project 30x 0.00062; gnomAD 0.00064 and 0.00065; ESP Exome Variant Server 0.00108.
gnomAD v4.1: 1,258 of 1,614,108 alleles (0.078%); highest among the groups gnomAD compares: Non-Finnish European, 0.1%; no homozygotes.

Submissions (5):

Women's Health and Genetics/Laboratory Corporation of America, LabCorp
Classification: Likely benign. Last evaluated: 2026-06-16. Review status: criteria provided, single submitter. Criteria: LabCorp Variant Classification Summary - May 2015. Collection method: clinical testing. Allele origin: germline.

Labcorp Genetics (formerly Invitae), Labcorp
Classification: Likely benign. Last evaluated: 2025-11-27. Review status: criteria provided, single submitter. Criteria: Invitae Variant Classification Sherloc (09022015). Collection method: clinical testing. Allele origin: germline.

CeGaT Center for Human Genetics Tuebingen
Classification: Likely benign. Last evaluated: 2025-02-01. Review status: criteria provided, single submitter. Criteria: CeGaT Center For Human Genetics Tuebingen Variant Classification Criteria Version 2. Collection method: clinical testing. Allele origin: germline. Affected: yes. Observed: 1 variant allele.
Comment: FAT2: BP4, BP7

Blueprint Genetics
Classification: Likely benign. Last evaluated: 2024-11-04. Review status: criteria provided, single submitter. Criteria: ACMG Guidelines, 2015. Collection method: clinical testing. Allele origin: germline.

PreventionGenetics, part of Exact Sciences
Classification: Likely benign for FAT2-related condition. Last evaluated: 2019-03-21. Review status: no assertion criteria provided. Collection method: clinical testing. Allele origin: germline. Not counted in ClinVar's aggregate classification.
Comment: This variant is classified as likely benign based on ACMG/AMP sequence variant interpretation guidelines (Richards et al. 2015 PMID: 25741868, with internal and published modifications).